The following is an entry in ClinVar:

NM_001429.4(EP300):c.4009C>T (p.Pro1337Ser)

Gene: EP300 (EP300 lysine acetyltransferase; plus strand). Cytogenetic location: 22q13.2.
Variant type: single nucleotide variant.
Coding change: c.4009C>T on transcript NM_001429.4 (MANE Select); coding-DNA position 4009, C replaced by T.
Protein change: p.Pro1337Ser; replaces proline 1337 with serine.
Molecular consequence: missense variant.
Genome position (GRCh38, 1-based): chr22:41,168,583, C>T. VCF-style: chr22-41168583-C-T. GRCh37 (hg19) VCF-style: chr22-41564587-C-T.
Other names: c.3931C>T, p.Pro1311Ser (NM_001362843.2); short protein forms P1337S, P1311S.
Identifiers: ClinVar variation 1395524 (VCV001395524.6), dbSNP rs2145762914, ClinGen allele CA411699644.

ClinVar aggregate classification (germline): Uncertain significance (1 of 4 stars; one submission).

Conditions:
Rubinstein-Taybi syndrome due to EP300 haploinsufficiency. Also called: RUBINSTEIN-TAYBI SYNDROME 2; EP300-Related Rubinstein-Taybi Syndrome. Identifiers: Orphanet 353284, Orphanet 783, MedGen C3150941, MONDO:0013364, OMIM 613684.

Submission:

Labcorp Genetics (formerly Invitae), Labcorp
Classification: Uncertain significance for Rubinstein-Taybi syndrome due to EP300 haploinsufficiency. Last evaluated: 2021-09-17. Review status: criteria provided, single submitter. Criteria: Invitae Variant Classification Sherloc (09022015). Collection method: clinical testing. Allele origin: germline.
Comment: This sequence change replaces proline with serine at codon 1337 of the EP300 protein (p.Pro1337Ser). The proline residue is highly conserved and there is a moderate physicochemical difference between proline and serine. This variant is not present in population databases (ExAC no frequency). This variant has not been reported in the literature in individuals affected with EP300-related conditions. Advanced modeling of protein sequence and biophysical properties (such as structural, functional, and spatial information, amino acid conservation, physicochemical variation, residue mobility, and thermodynamic stability) performed at Invitae indicates that this missense variant is expected to disrupt EP300 protein function. In summary, the available evidence is currently insufficient to determine the role of this variant in disease. Therefore, it has been classified as a Variant of Uncertain Significance.